The following is an entry in ClinVar:

ClinVar aggregate classification (germline): Uncertain significance (1 of 4 stars; one submission).

Conditions:
Chédiak-Higashi syndrome (CHS). Also called: Chediak-Higashi Syndrome. Identifiers: Orphanet 167, MedGen C0007965, MONDO:0008963, OMIM 214500.

Submission:

Labcorp Genetics (formerly Invitae), Labcorp
Classification: Uncertain significance for Chédiak-Higashi syndrome. Last evaluated: 2021-08-23. Review status: criteria provided, single submitter. Criteria: Invitae Variant Classification Sherloc (09022015). Collection method: clinical testing. Allele origin: germline.
Comment: This sequence change replaces leucine with arginine at codon 752 of the LYST protein (p.Leu752Arg). The leucine residue is moderately conserved and there is a moderate physicochemical difference between leucine and arginine. This variant is not present in population databases (ExAC no frequency). This variant has not been reported in the literature in individuals affected with LYST-related conditions. Algorithms developed to predict the effect of missense changes on protein structure and function are either unavailable or do not agree on the potential impact of this missense change (SIFT: "Deleterious"; PolyPhen-2: "Benign"; Align-GVGD: "Class C0"). In summary, the available evidence is currently insufficient to determine the role of this variant in disease. Therefore, it has been classified as a Variant of Uncertain Significance.

NM_000081.4(LYST):c.2255T>G (p.Leu752Arg)

Gene: LYST (lysosomal trafficking regulator; minus strand). Cytogenetic location: 1q42.3.
Variant type: single nucleotide variant.
Coding change: c.2255T>G on transcript NM_000081.4 (MANE Select); coding-DNA position 2255, T replaced by G.
Protein change: p.Leu752Arg; replaces leucine 752 with arginine.
Molecular consequence: missense variant.
Genome position (GRCh38, 1-based): chr1:235,808,563, A>C on the plus strand (T>G on the coding strand, the complement: LYST is on the minus strand). VCF-style: chr1-235808563-A-C. GRCh37 (hg19) VCF-style: chr1-235971863-A-C.
Other names: c.2255T>G, p.Leu752Arg (NM_001301365.1); short protein forms L752R.
Identifiers: ClinVar variation 1461843 (VCV001461843.5), dbSNP rs545240869, ClinGen allele CA344958729.